The following is an entry in ClinVar:

NM_001999.4(FBN2):c.7182A>G (p.Ile2394Met)

Gene: FBN2 (fibrillin 2; minus strand). Cytogenetic location: 5q23.3.
Variant type: single nucleotide variant.
Coding change: c.7182A>G on transcript NM_001999.4 (MANE Select); coding-DNA position 7182, A replaced by G.
Protein change: p.Ile2394Met; replaces isoleucine 2394 with methionine.
Molecular consequence: missense variant.
Genome position (GRCh38, 1-based): chr5:128,278,798, T>C on the plus strand (A>G on the coding strand, the complement: FBN2 is on the minus strand). VCF-style: chr5-128278798-T-C. GRCh37 (hg19) VCF-style: chr5-127614490-T-C.
Other names: short protein forms I2394M.
Identifiers: ClinVar variation 4740140 (VCV004740140.1).

ClinVar aggregate classification (germline): Uncertain significance (1 of 4 stars; one submission).

Conditions:
Congenital contractural arachnodactyly (CCA). Also called: Beals-Hecht syndrome; BEALS SYNDROME; Arthrogryposis, distal, type 9. Identifiers: Orphanet 115, MedGen C0220668, MONDO:0007363, OMIM 121050.

Submission:

Labcorp Genetics (formerly Invitae), Labcorp
Classification: Uncertain significance for Congenital contractural arachnodactyly. Last evaluated: 2025-03-13. Review status: criteria provided, single submitter. Criteria: Invitae Variant Classification Sherloc (09022015). Collection method: clinical testing. Allele origin: germline.
Comment: This sequence change replaces isoleucine, which is neutral and non-polar, with methionine, which is neutral and non-polar, at codon 2394 of the FBN2 protein (p.Ile2394Met). This variant is not present in population databases (gnomAD no frequency). This variant has not been reported in the literature in individuals affected with FBN2-related conditions. Invitae Evidence Modeling of protein sequence and biophysical properties (such as structural, functional, and spatial information, amino acid conservation, physicochemical variation, residue mobility, and thermodynamic stability) indicates that this missense variant is not expected to disrupt FBN2 protein function with a negative predictive value of 80%. In summary, the available evidence is currently insufficient to determine the role of this variant in disease. Therefore, it has been classified as a Variant of Uncertain Significance.